The following is an entry in ClinVar:

ClinVar aggregate classification (germline): Likely benign (1 of 4 stars; one submission).

Conditions:
Breast-ovarian cancer, familial, susceptibility to, 3. Also called: RAD51C-Related Breast/Ovarian Cancer. Identifiers: Orphanet 145, MedGen C3150659, MONDO:0013253, OMIM 613399.

Submission:

Myriad Genetics, Inc.
Classification: Likely benign for Breast-ovarian cancer, familial, susceptibility to, 3. Last evaluated: 2025-02-18. Review status: criteria provided, single submitter. Criteria: Myriad Autosomal Dominant, Autosomal Recessive and X-Linked Classification Criteria (2023). Collection method: clinical testing. Allele origin: unknown.
Comment: This variant is considered likely benign. This variant is intronic and is not expected to impact mRNA splicing.

NM_058216.3(RAD51C):c.572-18A>G

Gene: RAD51C (RAD51 paralog C; plus strand). Cytogenetic location: 17q22.
Variant type: single nucleotide variant.
Coding change: c.572-18A>G on transcript NM_058216.3 (MANE Select); 18 bases into the intron before coding-DNA position 572, A replaced by G.
Molecular consequence: intron variant.
Genome position (GRCh38, 1-based): chr17:58,703,178, A>G. VCF-style: chr17-58703178-A-G. GRCh37 (hg19) VCF-style: chr17-56780539-A-G.
Identifiers: ClinVar variation 3903910 (VCV003903910.1).